The following is an entry in ClinVar:

NM_001457.4(FLNB):c.3169A>G (p.Lys1057Glu)

Gene: FLNB (filamin B; plus strand). Cytogenetic location: 3p14.3.
Variant type: single nucleotide variant.
Coding change: c.3169A>G on transcript NM_001457.4 (MANE Select); coding-DNA position 3169, A replaced by G.
Protein change: p.Lys1057Glu; replaces lysine 1057 with glutamic acid.
Molecular consequence: missense variant.
Genome position (GRCh38, 1-based): chr3:58,123,135, A>G. VCF-style: chr3-58123135-A-G. GRCh37 (hg19) VCF-style: chr3-58108862-A-G.
Other names: c.3169A>G, p.Lys1057Glu (NM_001164317.2, NM_001164318.2, NM_001164319.2); short protein forms K1057E.
Identifiers: ClinVar variation 4874604 (VCV004874604.2).

ClinVar aggregate classification (germline): Uncertain significance (1 of 4 stars; one submission).

Submission:

CeGaT Center for Human Genetics Tuebingen
Classification: Uncertain significance. Last evaluated: 2026-04-01. Review status: criteria provided, single submitter. Criteria: CeGaT Center For Human Genetics Tuebingen Variant Classification Criteria Version 2. Collection method: clinical testing. Allele origin: germline. Affected: yes. Observed: 1 variant allele.
Comment: FLNB: PM2, BP4